The following is an entry in ClinVar:

NM_000540.3(RYR1):c.10825-11C>G

Gene: RYR1 (ryanodine receptor 1; plus strand). Cytogenetic location: 19q13.2.
Variant type: single nucleotide variant.
Coding change: c.10825-11C>G on transcript NM_000540.3 (MANE Select); 11 bases into the intron before coding-DNA position 10825, C replaced by G.
Molecular consequence: intron variant.
Genome position (GRCh38, 1-based): chr19:38,528,295, C>G. VCF-style: chr19-38528295-C-G. GRCh37 (hg19) VCF-style: chr19-39018935-C-G.
Other names: c.10810-11C>G (NM_001042723.2).
Identifiers: ClinVar variation 3385539 (VCV003385539.2).

ClinVar aggregate classification (germline): Likely benign. Review status: criteria provided, multiple submitters, no conflicts (2 of 4 stars). 2 submissions from 2 submitters: Likely benign (2). Last evaluated 2024-07-10.

Conditions:
Malignant hyperthermia, susceptibility to, 1 (MHS1). Also called: Anesthesia related hyperthermia; Malignant hyperpyrexia; Fulminating hyperpyrexia; Pharmacogenic myopathy; Malignant hyperthermia suceptibility 1; RYR1-Related Malignant Hyperthermia Susceptibility. Identifiers: Orphanet 423, MedGen C2930980, MONDO:0007783, OMIM 145600.

Submissions (2):

All of Us Research Program, National Institutes of Health
Classification: Likely benign for Malignant hyperthermia, susceptibility to, 1. Last evaluated: 2024-07-10. Review status: criteria provided, single submitter. Criteria: ACMG Guidelines, 2015. Collection method: clinical testing. Allele origin: germline. Inheritance: Autosomal dominant inheritance. Observed: 1 variant allele, 1 heterozygote.
Comment: This study involves interpretation of variants in research participants for the purpose of population health screening. Participant phenotype was not available at the time of variant classification. Additional details can be found in publication PMID: 35346344, PMCID: PMC8962531

Color Diagnostics, LLC DBA Color Health
Classification: Likely benign for Malignant hyperthermia, susceptibility to, 1. Last evaluated: 2024-01-29. Review status: criteria provided, single submitter. Criteria: ACMG Guidelines, 2015. Collection method: clinical testing. Allele origin: germline.